The following is an entry in ClinVar:

ClinVar aggregate classification (germline): Uncertain significance (1 of 4 stars; one submission).

Submission:

Ambry Genetics
Classification: Uncertain significance. Last evaluated: 2025-01-01. Review status: criteria provided, single submitter. Criteria: Ambry Variant Classification Scheme 2023. Collection method: clinical testing. Allele origin: germline.
Comment: The p.A70T variant (also known as c.208G>A), located in coding exon 1 of the ATRIP gene, results from a G to A substitution at nucleotide position 208. The alanine at codon 70 is replaced by threonine, an amino acid with similar properties. This amino acid position is conserved. In addition, the in silico prediction for this alteration is inconclusive. Based on the available evidence, the clinical significance of this variant remains unclear.

NM_130384.3(ATRIP):c.208G>A (p.Ala70Thr)

Genes: ATRIP (ATR interacting protein; plus strand), ATRIP-TREX1 (ATRIP-TREX1 readthrough; plus strand). Cytogenetic location: 3p21.31.
Variant type: single nucleotide variant.
Coding change: c.208G>A on transcript NM_130384.3 (MANE Select); coding-DNA position 208, G replaced by A.
Protein change: p.Ala70Thr; replaces alanine 70 with threonine.
Molecular consequence: missense variant. On other transcripts: non-coding transcript variant (1), intron variant (1).
Genome position (GRCh38, 1-based): chr3:48,447,053, G>A. VCF-style: chr3-48447053-G-A. GRCh37 (hg19) VCF-style: chr3-48488457-G-A.
Other names: c.208G>A, p.Ala70Thr (NM_032166.4); c.-218+254G>A (NM_001271022.2); short protein forms A70T.
Identifiers: ClinVar variation 3809425 (VCV003809425.1).